The following is an entry in ClinVar:

NM_001267550.2(TTN):c.53678C>G (p.Pro17893Arg)

Genes: TTN (titin; minus strand), TTN-AS1 (TTN antisense RNA 1; plus strand). Cytogenetic location: 2q31.2.
Variant type: single nucleotide variant.
Coding change: c.53678C>G on transcript NM_001267550.2 (MANE Select); coding-DNA position 53678, C replaced by G.
Protein change: p.Pro17893Arg; replaces proline 17893 with arginine.
Molecular consequence: missense variant.
Genome position (GRCh38, 1-based): chr2:178,605,617, G>C on the plus strand (C>G on the coding strand, the complement: TTN is on the minus strand). VCF-style: chr2-178605617-G-C. GRCh37 (hg19) VCF-style: chr2-179470344-G-C.
Other names: c.48755C>G, p.Pro16252Arg (NM_001256850.1); c.26483C>G, p.Pro8828Arg (NM_003319.4); c.45974C>G, p.Pro15325Arg (NM_133378.4); c.26858C>G, p.Pro8953Arg (NM_133432.3); c.27059C>G, p.Pro9020Arg (NM_133437.4); short protein forms P17893R, P16252R, P8953R, P15325R, P8828R, P9020R.
Identifiers: ClinVar variation 680346 (VCV000680346.1), dbSNP rs1576340594, ClinGen allele CA349561843.

ClinVar aggregate classification (germline): Likely benign (1 of 4 stars; one submission).

gnomAD v4.1: 1 of 1,612,014 alleles (0.000062%); highest among the groups gnomAD compares: African/African-American, 0.0013%; no homozygotes.

Submission:

GeneDx
Classification: Likely benign. Last evaluated: 2018-03-22. Review status: criteria provided, single submitter. Criteria: GeneDx Variant Classification (06012015). Collection method: clinical testing. Allele origin: germline. Affected: yes.
Comment: This variant is considered likely benign or benign based on one or more of the following criteria: it is a conservative change, it occurs at a poorly conserved position in the protein, it is predicted to be benign by multiple in silico algorithms, and/or has population frequency not consistent with disease.